The following is an entry in ClinVar:

NM_015272.5(RPGRIP1L):c.2150T>C (p.Ile717Thr)

Gene: RPGRIP1L (RPGRIP1 like; minus strand). Cytogenetic location: 16q12.2.
Variant type: single nucleotide variant.
Coding change: c.2150T>C on transcript NM_015272.5 (MANE Select); coding-DNA position 2150, T replaced by C.
Protein change: p.Ile717Thr; replaces isoleucine 717 with threonine.
Molecular consequence: missense variant.
Genome position (GRCh38, 1-based): chr16:53,652,537, A>G on the plus strand (T>C on the coding strand, the complement: RPGRIP1L is on the minus strand). VCF-style: chr16-53652537-A-G. GRCh37 (hg19) VCF-style: chr16-53686449-A-G.
Other names: c.2150T>C, p.Ile717Thr (NM_001127897.4, NM_001308334.3, NM_001330538.2); short protein forms I717T.
Identifiers: ClinVar variation 4982698 (VCV004982698.1).
Genomic context (GRCh38, chr16:53,652,537, plus strand): 5'-AACGATATATAAACCAAATTAGTAATTCAAACACCCAAGGCTTATACATTGTACTTACCA[A>G]TCAAACTTGCTGTACAAAATATTCGGCCGCTTTTTTCAAGAATTTCGTGAAATTTTAATT-3'
Protein context (NP_056087.2, residues 707-727): SGRIFCTASL[Ile717Thr]GTKGDIPNFG

ClinVar aggregate classification (germline): Uncertain significance (1 of 4 stars; one submission).

Conditions:
RPGRIP1L-related disorder. Also called: RPGRIP1L-related condition; RPGRIP1L-related disorders. Identifiers: MedGen CN239416.

Submission:

PreventionGenetics, part of Exact Sciences
Classification: Uncertain significance for RPGRIP1L-related condition. Last evaluated: 2025-04-09. Review status: criteria provided, single submitter. Criteria: ACMG Guidelines, 2015. Collection method: clinical testing. Allele origin: germline.
Comment: The RPGRIP1L c.2150T>C variant is predicted to result in the amino acid substitution p.Ile717Thr. To our knowledge, this variant has not been reported in the literature or in a large population database (gnomAD), indicating this variant is rare. At this time, the clinical significance of this variant is uncertain due to the absence of conclusive functional and genetic evidence.